The following is an entry in ClinVar:

ClinVar aggregate classification (germline): Likely benign (1 of 4 stars; one submission).

Allele frequency attached by ClinVar (database versions not stated): gnomAD exomes 0.00073; ESP Exome Variant Server 0.00091; gnomAD 0.00142; ExAC 0.00155; 1000 Genomes Project 30x 0.00250; 1000 Genomes Project 0.00300.
gnomAD v4.1: 1,287 of 1,609,980 alleles (0.08%); highest among the groups gnomAD compares: South Asian, 0.83%; 19 homozygotes.

Submission:

CeGaT Center for Human Genetics Tuebingen
Classification: Likely benign. Last evaluated: 2023-02-01. Review status: criteria provided, single submitter. Criteria: CeGaT Center For Human Genetics Tuebingen Variant Classification Criteria Version 2. Collection method: clinical testing. Allele origin: germline. Affected: yes. Observed: 1 variant allele.
Comment: AHNAK2: BP4, BS2

NM_138420.4(AHNAK2):c.7582G>A (p.Ala2528Thr)

Gene: AHNAK2 (AHNAK nucleoprotein 2; minus strand). Cytogenetic location: 14q32.33.
Variant type: single nucleotide variant.
Coding change: c.7582G>A on transcript NM_138420.4 (MANE Select); coding-DNA position 7582, G replaced by A.
Protein change: p.Ala2528Thr; replaces alanine 2528 with threonine.
Molecular consequence: missense variant.
Genome position (GRCh38, 1-based): chr14:104,947,869, C>T on the plus strand (G>A on the coding strand, the complement: AHNAK2 is on the minus strand). VCF-style: chr14-104947869-C-T. GRCh37 (hg19) VCF-style: chr14-105414206-C-T.
Other names: c.7282G>A, p.Ala2428Thr (NM_001350929.2); short protein forms A2428T, A2528T.
Identifiers: ClinVar variation 2644723 (VCV002644723.24), dbSNP rs199975505, ClinGen allele CA7380494.
Genomic context (GRCh38, chr14:104,947,869, plus strand): 5'-CCACTTGGCCAGCCTGGACCTCCAGGTCAGCGGAAGGGGGCTGAATGCTGAGGTCAGTGG[C>T]CTTGAGGTCCCCCTGCATGGAGGAGAGGCTCCCGTCGGCCTCCACCTTCGGCGCAGACAC-3'
Protein context (NP_612429.2, residues 2518-2538): SLSSMQGDLK[Ala2528Thr]TDLSIQPPSA